The following is an entry in ClinVar:

ClinVar aggregate classification (germline): Uncertain significance. Review status: criteria provided, multiple submitters, no conflicts (2 of 4 stars). 2 submissions from 2 submitters: Uncertain significance (2). Last evaluated 2025-03-04.

Allele frequency attached by ClinVar (database versions not stated): ExAC 0.00001; gnomAD 0.00001; gnomAD exomes 0.00001; TOPMed 0.00001; ESP Exome Variant Server 0.00015.
gnomAD v4.1: 10 of 1,612,646 alleles (0.00062%); highest among the groups gnomAD compares: Non-Finnish European, 0.00085%; no homozygotes.

Submissions (2):

Labcorp Genetics (formerly Invitae), Labcorp
Classification: Uncertain significance. Last evaluated: 2025-03-04. Review status: criteria provided, single submitter. Criteria: Invitae Variant Classification Sherloc (09022015). Collection method: clinical testing. Allele origin: germline.
Comment: This sequence change replaces alanine, which is neutral and non-polar, with valine, which is neutral and non-polar, at codon 18 of the ZNF408 protein (p.Ala18Val). This variant is present in population databases (rs376908315, gnomAD 0.002%). This variant has not been reported in the literature in individuals affected with ZNF408-related conditions. ClinVar contains an entry for this variant (Variation ID: 1044485). An algorithm developed to predict the effect of missense changes on protein structure and function outputs the following: PolyPhen-2: "Not Available". The valine amino acid residue is found in multiple mammalian species, which suggests that this missense change does not adversely affect protein function. In summary, the available evidence is currently insufficient to determine the role of this variant in disease. Therefore, it has been classified as a Variant of Uncertain Significance.

Blueprint Genetics
Classification: Uncertain significance. Last evaluated: 2021-07-21. Review status: criteria provided, single submitter. Criteria: ACMG Guidelines, 2015. Collection method: clinical testing. Allele origin: germline.

NM_024741.3(ZNF408):c.53C>T (p.Ala18Val)

Gene: ZNF408 (zinc finger protein 408; plus strand). Cytogenetic location: 11p11.2.
Variant type: single nucleotide variant.
Coding change: c.53C>T on transcript NM_024741.3 (MANE Select); coding-DNA position 53, C replaced by T.
Protein change: p.Ala18Val; replaces alanine 18 with valine.
Molecular consequence: missense variant.
Genome position (GRCh38, 1-based): chr11:46,701,399, C>T. VCF-style: chr11-46701399-C-T. GRCh37 (hg19) VCF-style: chr11-46722949-C-T.
Other names: c.29C>T, p.Ala10Val (NM_001184751.2); short protein forms A10V, A18V.
Identifiers: ClinVar variation 1044485 (VCV001044485.9), dbSNP rs376908315, ClinGen allele CA5966227.
Genomic context (GRCh38, chr11:46,701,399, plus strand): 5'-CTTTTCCCCACCTCCCACCTTCTTGGGTGGCTCCCTCACTGTCTTCCCTTCTCTCTGCAG[C>T]CCGCGAGCCGCGCCTGGGCCTGGACTTAGGATGGAACCCTTCCGGAGAAGGCTGTACGCA-3'
Protein context (NP_079017.1, residues 8-28): LLEGKKALQL[Ala18Val]REPRLGLDLG